The following is an entry in ClinVar:

NM_001903.5(CTNNA1):c.33C>T (p.Phe11=)

Gene: CTNNA1 (catenin alpha 1; plus strand). Cytogenetic location: 5q31.2.
Variant type: single nucleotide variant.
Coding change: c.33C>T on transcript NM_001903.5 (MANE Select); coding-DNA position 33, C replaced by T.
Protein change: p.Phe11=; no amino-acid change (phenylalanine 11 retained).
Molecular consequence: synonymous variant. On other transcripts: 5 prime UTR variant (2).
Genome position (GRCh38, 1-based): chr5:138,781,957, C>T. VCF-style: chr5-138781957-C-T. GRCh37 (hg19) VCF-style: chr5-138117646-C-T.
Other names: c.-81C>T (NM_001290309.3); c.-174C>T (NM_001290310.3); c.33C>T, p.Phe11= (NM_001323982.2, NM_001323983.1, NM_001323984.2 and 3 more transcripts).
Identifiers: ClinVar variation 3498219 (VCV003498219.2).

ClinVar aggregate classification (germline): Benign/Likely benign. Review status: criteria provided, multiple submitters, no conflicts (2 of 4 stars). 2 submissions from 2 submitters: Benign (1); Likely benign (1). Last evaluated 2024-10-09.

Conditions:
Hereditary diffuse gastric adenocarcinoma (HDGC). Also called: DIFFUSE GASTRIC AND LOBULAR BREAST CANCER SYNDROME. Identifiers: Orphanet 26106, MedGen C1708349, MONDO:0007648, OMIM 137215.
Hereditary cancer-predisposing syndrome. Also called: Hereditary Cancer Syndrome; Hereditary neoplastic syndrome; Neoplastic Syndromes, Hereditary; Tumor predisposition. Identifiers: Orphanet 140162, MedGen C0027672, MeSH D009386, MONDO:0015356.

Submissions (2):

Myriad Genetics, Inc.
Classification: Benign for Hereditary diffuse gastric adenocarcinoma. Last evaluated: 2024-10-09. Review status: criteria provided, single submitter. Criteria: Myriad Autosomal Dominant, Autosomal Recessive and X-Linked Classification Criteria (2023). Collection method: clinical testing. Allele origin: unknown.
Comment: This variant is considered benign. This variant is a silent/synonymous amino acid change and it is not expected to impact splicing.

Ambry Genetics
Classification: Likely benign for Hereditary cancer-predisposing syndrome. Last evaluated: 2024-08-07. Review status: criteria provided, single submitter. Criteria: Ambry Variant Classification Scheme 2023. Collection method: clinical testing. Allele origin: germline.